The following is an entry in ClinVar:

ClinVar aggregate classification (germline): Uncertain significance (1 of 4 stars; one submission).

gnomAD v4.1: 23 of 1,612,814 alleles (0.0014%); highest among the groups gnomAD compares: Admixed American, 0.0033%; no homozygotes.

Submission:

GeneDx
Classification: Uncertain significance. Last evaluated: 2026-03-25. Review status: criteria provided, single submitter. Criteria: GeneDx Variant Classification Process June 2021. Collection method: clinical testing. Allele origin: germline.
Comment: Not observed at significant frequency in large population cohorts (gnomAD); In silico analysis suggests that this missense variant does not alter protein structure/function; Has not been previously published as pathogenic or benign to our knowledge

NM_024876.4(COQ8B):c.1302C>G (p.Phe434Leu)

Gene: COQ8B (coenzyme Q8B; minus strand). Cytogenetic location: 19q13.2.
Variant type: single nucleotide variant.
Coding change: c.1302C>G on transcript NM_024876.4 (MANE Select); coding-DNA position 1302, C replaced by G.
Protein change: p.Phe434Leu; replaces phenylalanine 434 with leucine.
Molecular consequence: missense variant.
Genome position (GRCh38, 1-based): chr19:40,692,368, G>C on the plus strand (C>G on the coding strand, the complement: COQ8B is on the minus strand). VCF-style: chr19-40692368-G-C. GRCh37 (hg19) VCF-style: chr19-41198273-G-C.
Other names: c.1179C>G, p.Phe393Leu (NM_001142555.3); short protein forms F393L, F434L.
Identifiers: ClinVar variation 5016934 (VCV005016934.1).
Genomic context (GRCh38, chr19:40,692,368, plus strand): 5'-AGGGCCCTGGGTGGCGAAAGGCTCCCCCAGGATCATCACTGCCTCCACGTGGGCGTCGGA[G>C]AATGCCTGGGAGTGGGGGTGGGGGGAGAGCAAAGGCAGCCAGTGTGGACATAGAGCCCTC-3'
Protein context (NP_079152.3, residues 424-444): KFLTGFETKA[Phe434Leu]SDAHVEAVMI